The following is an entry in ClinVar:

ClinVar aggregate classification (germline): Uncertain significance (1 of 4 stars; one submission).

Conditions:
Rhabdomyolysis, susceptibility to, 2. Identifiers: MedGen C6012738, MONDO:0980721, OMIM 621236.
Keratosis follicularis (DAR). Also called: Darier disease; Darier's disease. Identifiers: Orphanet 218, MedGen C0022595, MONDO:0007417, OMIM 124200.
Acrokeratosis verruciformis of Hopf (AKV). Also called: HOPF DISEASE; Acrokeratosis verruciformis. Identifiers: Orphanet 79151, MedGen C0265971, MONDO:0007048, OMIM 101900.

gnomAD v4.1: 3 of 1,614,034 alleles (0.00019%); highest among the groups gnomAD compares: African/African-American, 0.0013%; no homozygotes.

Submission:

Juno Genomics, Hangzhou Juno Genomics, Inc
Classification: Uncertain significance for Rhabdomyolysis, susceptibility to, 2; Acrokeratosis verruciformis of Hopf; Keratosis follicularis. Review status: criteria provided, single submitter. Criteria: ACMG Guidelines, 2015. Collection method: clinical testing. Allele origin: germline.
Comment: Absent from controls (or at extremely low frequency if recessive) in Genome Aggregation Database.;Missense variant in a gene that has a low rate of benign missense variation.

NM_170665.4(ATP2A2):c.3050C>T (p.Pro1017Leu)

Gene: ATP2A2 (ATPase sarcoplasmic/endoplasmic reticulum Ca2+ transporting 2; plus strand). Cytogenetic location: 12q24.11.
Variant type: single nucleotide variant.
Coding change: c.3050C>T on transcript NM_170665.4 (MANE Select); coding-DNA position 3050, C replaced by T.
Protein change: p.Pro1017Leu; replaces proline 1017 with leucine.
Molecular consequence: missense variant. On other transcripts: intron variant (2).
Genome position (GRCh38, 1-based): chr12:110,346,391, C>T. VCF-style: chr12-110346391-C-T. GRCh37 (hg19) VCF-style: chr12-110784196-C-T.
Other names: c.2945C>T, p.Pro982Leu (NM_001413013.1); c.2675C>T, p.Pro892Leu (NM_001413015.1); c.2980+70C>T (NM_001413014.1, NM_001681.4); short protein forms P1017L, P892L, P982L.
Identifiers: ClinVar variation 5005036 (VCV005005036.2).